The following is an entry in ClinVar:

NC_000001.10:g.(?_65775429)_(65831899_?)dup

Gene: DNAJC6 (DnaJ heat shock protein family (Hsp40) member C6; plus strand). Cytogenetic location: 1p31.3.
Variant type: Duplication.
Identifiers: ClinVar variation 3247833 (VCV003247833.1).

ClinVar aggregate classification (germline): Uncertain significance (1 of 4 stars; one submission).

Conditions:
Juvenile onset Parkinson disease 19A. Also called: PARK19; DNAJC6 Parkinson Disease. Identifiers: Orphanet 391411, MedGen C3809811, MONDO:0014231, OMIM 615528.

Submission:

Labcorp Genetics (formerly Invitae), Labcorp
Classification: Uncertain significance for Juvenile onset Parkinson disease 19A. Last evaluated: 2024-01-08. Review status: criteria provided, single submitter. Criteria: Invitae Variant Classification Sherloc (09022015). Collection method: clinical testing. Allele origin: unknown.
Comment: This variant results in a copy number gain of the genomic region encompassing exon(s) 1-4 of the DNAJC6 gene. This region includes the initiator codon of the gene. This copy number gain extends beyond the assayed region for this gene and therefore may encompass additional genes. As the precise location of this event is unknown, it may be in tandem or it may be located elsewhere in the genome. This variant has not been reported in the literature in individuals affected with DNAJC6-related conditions. Experimental studies and prediction algorithms are not available or were not evaluated, and the functional significance of this variant is currently unknown. In summary, the available evidence is currently insufficient to determine the role of this variant in disease. Therefore, it has been classified as a Variant of Uncertain Significance.